The following is an entry in ClinVar:

ClinVar aggregate classification (germline): Benign/Likely benign. Review status: criteria provided, multiple submitters, no conflicts (2 of 4 stars). 2 submissions from 2 submitters: Benign (1); Likely benign (1). Last evaluated 2025-11-16.

Conditions:
Kleefstra syndrome 1 (KLEFS1). Identifiers: Orphanet 261494, MedGen C0795833, MONDO:0027407, OMIM 610253.

Allele frequency attached by ClinVar (database versions not stated): gnomAD 0.00002 and 0.00003; ExAC 0.00007; gnomAD exomes 0.00009; TOPMed 0.00009.
gnomAD v4.1: 124 of 1,613,656 alleles (0.0077%); highest among the groups gnomAD compares: East Asian, 0.038%; no homozygotes.

Submissions (2):

Labcorp Genetics (formerly Invitae), Labcorp
Classification: Benign for Kleefstra syndrome 1. Last evaluated: 2025-11-16. Review status: criteria provided, single submitter. Criteria: Invitae Variant Classification Sherloc (09022015). Collection method: clinical testing. Allele origin: germline.

CeGaT Center for Human Genetics Tuebingen
Classification: Likely benign. Last evaluated: 2024-05-01. Review status: criteria provided, single submitter. Criteria: CeGaT Center For Human Genetics Tuebingen Variant Classification Criteria Version 2. Collection method: clinical testing. Allele origin: germline. Affected: yes. Observed: 1 variant allele.
Comment: EHMT1: BP4, BP7

NM_024757.5(EHMT1):c.3093C>T (p.Ser1031=)

Gene: EHMT1 (euchromatic histone lysine methyltransferase 1; plus strand). Cytogenetic location: 9q34.3.
Variant type: single nucleotide variant.
Coding change: c.3093C>T on transcript NM_024757.5 (MANE Select); coding-DNA position 3093, C replaced by T.
Protein change: p.Ser1031=; no amino-acid change (serine 1031 retained).
Molecular consequence: synonymous variant.
Genome position (GRCh38, 1-based): chr9:137,813,443, C>T. VCF-style: chr9-137813443-C-T. GRCh37 (hg19) VCF-style: chr9-140707895-C-T.
Other names: c.3072C>T, p.Ser1024= (NM_001354263.2).
Identifiers: ClinVar variation 1008429 (VCV001008429.28), dbSNP rs62590780, ClinGen allele CA5375163.
Genomic context (GRCh38, chr9:137,813,443, plus strand): 5'-CAGGGACATCGCTCGAGGCTACGAGCGCATCCCCATCCCCTGTGTCAACGCCGTGGACAG[C>T]GAGCCATGCCCCAGCAACTACAAGTACGTCTCTCAGAACTGCGTGACGTCCCCCATGAAC-3'
Protein context (NP_079033.4, residues 1021-1041): IPIPCVNAVD[Ser1031=]EPCPSNYKYV